The following is an entry in ClinVar:

ClinVar aggregate classification (germline): not provided (0 of 4 stars; one submission).

Allele frequency attached by ClinVar (database versions not stated): TOPMed 0.00045; 1000 Genomes Project 30x 0.00031; 1000 Genomes Project 0.00040.

Submission:

Human Evolutionary Genetics, Institut Pasteur
No classification provided. Review status: no classification provided. Collection method: not provided. Allele origin: germline.
ClinVar note: Converted during submission from untested to not provided.

NC_000019.10:g.55836456C>T

Gene: NLRP11 (NLR family pyrin domain containing 11; minus strand). Cytogenetic location: 19q13.43.
Variant type: single nucleotide variant.
Molecular consequence: 5 prime UTR variant (on NM_001297743.3). On other transcripts: non-coding transcript variant (3).
Genome position: GRCh38 VCF-style: chr19-55836456-C-T. GRCh37 (hg19) VCF-style: chr19-56347822-C-T.
Other names: c.-369G>A (NM_001297743.3); c.-405G>A (NM_001385451.2, NM_001385453.2, NM_145007.5).
Identifiers: ClinVar variation 102981 (VCV000102981.3), dbSNP rs199475739, ClinGen allele CA229947.